The following is an entry in ClinVar:

ClinVar aggregate classification (germline): Uncertain significance. Review status: criteria provided, multiple submitters, no conflicts (2 of 4 stars). 3 submissions from 3 submitters: Uncertain significance (3). Last evaluated 2025-10-16.

Allele frequency attached by ClinVar (database versions not stated): ESP Exome Variant Server 0.00008; ExAC 0.00012; gnomAD exomes 0.00015 and 0.00022; gnomAD 0.00017 and 0.00019; TOPMed 0.00017.
gnomAD v4.1: 348 of 1,614,026 alleles (0.022%); highest among the groups gnomAD compares: Admixed American, 0.05%; 1 homozygote.

Submissions (3):

GeneDx
Classification: Uncertain significance. Last evaluated: 2025-10-16. Review status: criteria provided, single submitter. Criteria: GeneDx Variant Classification Process June 2021. Collection method: clinical testing. Allele origin: germline. Affected: yes.
Comment: In silico analysis suggests that this missense variant does not alter protein structure/function; Identified in individuals belonging to a cohort of patients with Meniere's disease in published literature (PMID: 30828346); This variant is associated with the following publications: (PMID: 30828346)

Blueprint Genetics
Classification: Uncertain significance. Last evaluated: 2024-07-16. Review status: criteria provided, single submitter. Criteria: ACMG Guidelines, 2015. Collection method: clinical testing. Allele origin: germline.

Labcorp Genetics (formerly Invitae), Labcorp
Classification: Uncertain significance. Last evaluated: 2023-08-04. Review status: criteria provided, single submitter. Criteria: Invitae Variant Classification Sherloc (09022015). Collection method: clinical testing. Allele origin: germline.
Comment: This variant has not been reported in the literature in individuals affected with TRIOBP-related conditions. In summary, the available evidence is currently insufficient to determine the role of this variant in disease. Therefore, it has been classified as a Variant of Uncertain Significance. An algorithm developed to predict the effect of missense changes on protein structure and function (PolyPhen-2) suggests that this variant is likely to be disruptive. ClinVar contains an entry for this variant (Variation ID: 1427595). This variant is present in population databases (rs373236761, gnomAD 0.06%). This sequence change replaces glutamic acid, which is acidic and polar, with aspartic acid, which is acidic and polar, at codon 2340 of the TRIOBP protein (p.Glu2340Asp).

NM_001039141.3(TRIOBP):c.7020G>C (p.Glu2340Asp)

Gene: TRIOBP (TRIO and F-actin binding protein; plus strand). Cytogenetic location: 22q13.1.
Variant type: single nucleotide variant.
Coding change: c.7020G>C on transcript NM_001039141.3 (MANE Select); coding-DNA position 7020, G replaced by C.
Protein change: p.Glu2340Asp; replaces glutamic acid 2340 with aspartic acid.
Molecular consequence: missense variant.
Genome position (GRCh38, 1-based): chr22:37,772,684, G>C. VCF-style: chr22-37772684-G-C. GRCh37 (hg19) VCF-style: chr22-38168691-G-C.
Other names: c.1881G>C, p.Glu627Asp (NM_007032.5); short protein forms E2340D, E627D.
Identifiers: ClinVar variation 1427595 (VCV001427595.9), dbSNP rs373236761, ClinGen allele CA10225322.